The following is an entry in ClinVar:

ClinVar aggregate classification (germline): Pathogenic (1 of 4 stars; one submission).

Conditions:
Familial cancer of breast. Also called: hereditary breast carcinoma; BREAST CANCER, FAMILIAL; Hereditary breast cancer. Identifiers: Orphanet 227535, MedGen C0346153, MONDO:0016419, OMIM 114480. Disease mechanism: loss of function.

Submission:

Labcorp Genetics (formerly Invitae), Labcorp
Classification: Pathogenic for Familial cancer of breast. Last evaluated: 2023-01-29. Review status: criteria provided, single submitter. Criteria: Invitae Variant Classification Sherloc (09022015). Collection method: clinical testing. Allele origin: germline.
Comment: Algorithms developed to predict the effect of sequence changes on RNA splicing suggest that this variant may disrupt the consensus splice site. This variant disrupts a region of the PALB2 protein in which other variant(s) (p.Leu35Pro) have been determined to be pathogenic (PMID: 28319063, 30337689, 31586400). This suggests that this is a clinically significant region of the protein, and that variants that disrupt it are likely to be disease-causing. For these reasons, this variant has been classified as Pathogenic. This variant has not been reported in the literature in individuals affected with PALB2-related conditions. This sequence change affects the initiator methionine of the PALB2 mRNA. The next in-frame methionine is located at codon 296. This variant is not present in population databases (gnomAD no frequency).

Literature cited by the submitters: PubMed 28319063; PubMed 30337689; PubMed 31586400.

NM_024675.4(PALB2):c.-4_15del (p.Met1fs)

Gene: PALB2 (partner and localizer of BRCA2; minus strand). Cytogenetic location: 16p12.2.
Variant type: Deletion.
Coding change: c.-4_15del on transcript NM_024675.4 (MANE Select); 4 bases upstream of the start codon through coding-DNA position 15, 19 bases deleted (CCCGATGGACGAGCCTCCC).
Protein change: p.Met1fs; shifts the reading frame from methionine 1.
Molecular consequence: frameshift variant, initiator codon variant. On other transcripts: 5 prime UTR variant (10).
Genome position (GRCh38, 1-based): chr16:23,641,143-23,641,161, GGGAGGCTCGTCCATCGGG deleted on the plus strand (CCCGATGGACGAGCCTCCC on the coding strand, the reverse complement: PALB2 is on the minus strand). VCF-style (leftmost placement, unchanged base first): chr16-23641142-CGGGAGGCTCGTCCATCGGG-C. GRCh37 (hg19) VCF-style: chr16-23652463-CGGGAGGCTCGTCCATCGGG-C.
Other names: c.-4_15del, p.Met1fs (NM_001407296.1, NM_001407297.1, NM_001407298.1 and 5 more transcripts); c.-1747_-1729del (NM_001407304.1, NM_001407310.1); c.-1023_-1005del (NM_001407305.1, NM_001407307.1, NM_001407309.1 and 1 more transcripts); c.-872_-854del (NM_001407306.1, NM_001407308.1); c.-156_-138del (NM_001407312.1, NM_001407313.1); short protein forms M1fs.
Identifiers: ClinVar variation 2832739 (VCV002832739.3), dbSNP rs2506572966, ClinGen allele CA2739266669.